The following is an entry in ClinVar:

ClinVar aggregate classification (germline): Uncertain significance (1 of 4 stars; one submission).

gnomAD v4.1: 2 of 1,550,066 alleles (0.00013%); highest among the groups gnomAD compares: South Asian, 0.0012%; no homozygotes.

Submission:

Labcorp Genetics (formerly Invitae), Labcorp
Classification: Uncertain significance. Last evaluated: 2025-07-25. Review status: criteria provided, single submitter. Criteria: Invitae Variant Classification Sherloc (09022015). Collection method: clinical testing. Allele origin: germline.
Comment: This sequence change replaces aspartic acid, which is acidic and polar, with asparagine, which is neutral and polar, at codon 749 of the UNC80 protein (p.Asp749Asn). This variant is not present in population databases (gnomAD no frequency). This variant has not been reported in the literature in individuals affected with UNC80-related conditions. An algorithm developed to predict the effect of missense changes on protein structure and function outputs the following: PolyPhen-2: "Benign". The asparagine amino acid residue is found in multiple mammalian species, which suggests that this missense change does not adversely affect protein function. In summary, the available evidence is currently insufficient to determine the role of this variant in disease. Therefore, it has been classified as a Variant of Uncertain Significance.

NM_001371986.1(UNC80):c.2245G>A (p.Asp749Asn)

Gene: UNC80 (unc-80 subunit of NALCN channel complex; plus strand). Cytogenetic location: 2q34.
Variant type: single nucleotide variant.
Coding change: c.2245G>A on transcript NM_001371986.1 (MANE Select); coding-DNA position 2245, G replaced by A.
Protein change: p.Asp749Asn; replaces aspartic acid 749 with asparagine.
Molecular consequence: missense variant.
Genome position (GRCh38, 1-based): chr2:209,820,593, G>A. VCF-style: chr2-209820593-G-A. GRCh37 (hg19) VCF-style: chr2-210685317-G-A.
Other names: c.2245G>A, p.Asp749Asn (NM_032504.2, NM_182587.4); short protein forms D749N.
Identifiers: ClinVar variation 4720905 (VCV004720905.1).
Genomic context (GRCh38, chr2:209,820,593, plus strand): 5'-TTCGGAGGCCCTGCTGTTAGTGGAGCTGGAGATGGTGGAGGAGAAGAAGGAGGAGGTGGA[G>A]ATGGAGGAGGTGGAGGAGGTGATGGAGGAGGAGGTGGAGGAGGTGGAGGCGGCCCTTATG-3'
Protein context (NP_001358915.1, residues 739-759): DGGGEEGGGG[Asp749Asn]GGGGGGDGGG